The following is an entry in ClinVar:

ClinVar aggregate classification (germline): Uncertain significance (1 of 4 stars; one submission).

Submission:

Labcorp Genetics (formerly Invitae), Labcorp
Classification: Uncertain significance. Last evaluated: 2022-03-28. Review status: criteria provided, single submitter. Criteria: Invitae Variant Classification Sherloc (09022015). Collection method: clinical testing. Allele origin: germline.
Comment: In summary, the available evidence is currently insufficient to determine the role of this variant in disease. Therefore, it has been classified as a Variant of Uncertain Significance. Variants that disrupt the consensus splice site are a relatively common cause of aberrant splicing (PMID: 17576681, 9536098). Algorithms developed to predict the effect of sequence changes on RNA splicing suggest that this variant may disrupt the consensus splice site. This variant has not been reported in the literature in individuals affected with RTN4IP1-related conditions. This variant is present in population databases (rs756174848, gnomAD 0.004%). This sequence change falls in intron 1 of the RTN4IP1 gene. It does not directly change the encoded amino acid sequence of the RTN4IP1 protein. It affects a nucleotide within the consensus splice site.

Literature cited by the submitters: PubMed 17576681; PubMed 9536098.

NM_032730.5(RTN4IP1):c.274+3_274+6del

Gene: RTN4IP1 (reticulon 4 interacting protein 1; minus strand). Cytogenetic location: 6q21.
Variant type: Microsatellite.
Coding change: c.274+3_274+6del on transcript NM_032730.5 (MANE Select); bases 3 to 6 of the intron after coding-DNA position 274, 4 bases deleted (AAGT; older notation c.274+3_274+6delAAGT).
Molecular consequence: splice donor variant. On other transcripts: intron variant (1).
Genome position (GRCh38, 1-based): chr6:106,628,742-106,628,745, ACTT deleted on the plus strand (AAGT on the coding strand, the reverse complement: RTN4IP1 is on the minus strand); deleting any 4 consecutive bases within chr6:106,628,742-106,628,749 gives the same sequence; the c. name uses the placement nearest the transcript's 3' end. VCF-style (leftmost placement, unchanged base first): chr6-106628741-AACTT-A. GRCh37 (hg19) VCF-style: chr6-107076616-AACTT-A.
Other names: c.-27+1582_-27+1585del (NM_001318746.1).
Identifiers: ClinVar variation 1972033 (VCV001972033.5), dbSNP rs756174848, ClinGen allele CA3944562.